The following is an entry in ClinVar:

ClinVar aggregate classification (germline): Benign (1 of 4 stars; one submission).

Conditions:
Familial cancer of breast. Also called: hereditary breast carcinoma; Hereditary breast cancer; BREAST CANCER, FAMILIAL. Identifiers: Orphanet 227535, MedGen C0346153, MONDO:0016419, OMIM 114480. Disease mechanism: loss of function.

Submission:

Myriad Genetics, Inc.
Classification: Benign for Familial cancer of breast. Last evaluated: 2024-07-29. Review status: criteria provided, single submitter. Criteria: Myriad Autosomal Dominant, Autosomal Recessive and X-Linked Classification Criteria (2023). Collection method: clinical testing. Allele origin: unknown.
Comment: This variant is considered benign. This variant is a silent/synonymous amino acid change and it is not expected to impact splicing.

NM_000465.4(BARD1):c.2133T>C (p.Ser711=)

Gene: BARD1 (BRCA1 associated RING domain 1; minus strand). Cytogenetic location: 2q35.
Variant type: single nucleotide variant.
Coding change: c.2133T>C on transcript NM_000465.4 (MANE Select); coding-DNA position 2133, T replaced by C.
Protein change: p.Ser711=; no amino-acid change (serine 711 retained).
Molecular consequence: synonymous variant. On other transcripts: non-coding transcript variant (3).
Genome position (GRCh38, 1-based): chr2:214,728,877, A>G on the plus strand (T>C on the coding strand, the complement: BARD1 is on the minus strand). VCF-style: chr2-214728877-A-G. GRCh37 (hg19) VCF-style: chr2-215593601-A-G.
Other names: c.2076T>C, p.Ser692= (NM_001282543.2); c.780T>C, p.Ser260= (NM_001282545.2); c.723T>C, p.Ser241= (NM_001282548.2); c.594T>C, p.Ser198= (NM_001282549.2).
Identifiers: ClinVar variation 3378519 (VCV003378519.1).
Genomic context (GRCh38, chr2:214,728,877, plus strand): 5'-GCGCTGATCAGAATCGGGTCTCGCATGGTATGCGACTGTATTGATGGTCTGAGTCACGTC[A>G]CTGTCTGGCTTGGGCTTTCTACTGAGGATCTGGCCCCCACCTGCAGTGACGAGCTTAATA-3'
Protein context (NP_000456.2, residues 701-721): QILSRKPKPD[Ser711=]DVTQTINTVA